The following is an entry in ClinVar:

NM_001006658.3(CR2):c.1700G>C (p.Ser567Thr)

Gene: CR2 (complement C3d receptor 2; plus strand). Cytogenetic location: 1q32.2.
Variant type: single nucleotide variant.
Coding change: c.1700G>C on transcript NM_001006658.3 (MANE Select); coding-DNA position 1700, G replaced by C.
Protein change: p.Ser567Thr; replaces serine 567 with threonine.
Molecular consequence: missense variant.
Genome position (GRCh38, 1-based): chr1:207,472,901, G>C. VCF-style: chr1-207472901-G-C. GRCh37 (hg19) VCF-style: chr1-207646246-G-C.
Other names: c.1700G>C, p.Ser567Thr (NM_001877.5); short protein forms S567T.
Identifiers: ClinVar variation 935882 (VCV000935882.9), dbSNP rs1658323126, ClinGen allele CA344534025.

ClinVar aggregate classification (germline): Uncertain significance (1 of 4 stars; one submission).

Conditions:
Immunodeficiency, common variable, 7. Identifiers: Orphanet 1572, Orphanet 696894, MedGen C3542922, MONDO:0013862, OMIM 614699.

Submission:

Labcorp Genetics (formerly Invitae), Labcorp
Classification: Uncertain significance for Immunodeficiency, common variable, 7. Last evaluated: 2024-10-16. Review status: criteria provided, single submitter. Criteria: Invitae Variant Classification Sherloc (09022015). Collection method: clinical testing. Allele origin: germline.
Comment: This sequence change replaces serine, which is neutral and polar, with threonine, which is neutral and polar, at codon 567 of the CR2 protein (p.Ser567Thr). This variant is not present in population databases (gnomAD no frequency). This variant has not been reported in the literature in individuals affected with CR2-related conditions. ClinVar contains an entry for this variant (Variation ID: 935882). An algorithm developed to predict the effect of missense changes on protein structure and function (PolyPhen-2) suggests that this variant is likely to be tolerated. In summary, the available evidence is currently insufficient to determine the role of this variant in disease. Therefore, it has been classified as a Variant of Uncertain Significance.